The following is an entry in ClinVar:

ClinVar aggregate classification (germline): Uncertain significance. Review status: criteria provided, multiple submitters, no conflicts (2 of 4 stars). 2 submissions from 2 submitters: Uncertain significance (2). Last evaluated 2025-08-10.

Allele frequency attached by ClinVar (database versions not stated): ExAC 0.00013; TOPMed 0.00014; gnomAD 0.00009; gnomAD exomes 0.00021; ESP Exome Variant Server 0.00023.
gnomAD v4.1: 311 of 1,555,710 alleles (0.02%); highest among the groups gnomAD compares: Non-Finnish European, 0.025%; no homozygotes.

Submissions (2):

Labcorp Genetics (formerly Invitae), Labcorp
Classification: Uncertain significance. Last evaluated: 2025-08-10. Review status: criteria provided, single submitter. Criteria: Invitae Variant Classification Sherloc (09022015). Collection method: clinical testing. Allele origin: germline.
Comment: This sequence change replaces glutamic acid, which is acidic and polar, with lysine, which is basic and polar, at codon 82 of the PPM1F protein (p.Glu82Lys). This variant is present in population databases (rs200384965, gnomAD 0.02%). This variant has not been reported in the literature in individuals affected with PPM1F-related conditions. ClinVar contains an entry for this variant (Variation ID: 2358826). An algorithm developed to predict the effect of missense changes on protein structure and function outputs the following: PolyPhen-2: "Benign". The lysine amino acid residue is found in multiple mammalian species, which suggests that this missense change does not adversely affect protein function. In summary, the available evidence is currently insufficient to determine the role of this variant in disease. Therefore, it has been classified as a Variant of Uncertain Significance.

Ambry Genetics
Classification: Uncertain significance. Last evaluated: 2025-04-16. Review status: criteria provided, single submitter. Criteria: Ambry Variant Classification Scheme 2023. Collection method: clinical testing. Allele origin: germline.

NM_014634.4(PPM1F):c.244G>A (p.Glu82Lys)

Genes: PPM1F (protein phosphatase, Mg2+/Mn2+ dependent 1F; minus strand), PPM1F-AS1 (PPM1F antisense RNA 1; plus strand). Cytogenetic location: 22q11.22.
Variant type: single nucleotide variant.
Coding change: c.244G>A on transcript NM_014634.4 (MANE Select); coding-DNA position 244, G replaced by A.
Protein change: p.Glu82Lys; replaces glutamic acid 82 with lysine.
Molecular consequence: missense variant.
Genome position (GRCh38, 1-based): chr22:21,939,643, C>T on the plus strand (G>A on the coding strand, the complement: PPM1F is on the minus strand). VCF-style: chr22-21939643-C-T. GRCh37 (hg19) VCF-style: chr22-22294015-C-T.
Other names: c.-261G>A (NM_001410836.1); short protein forms E82K.
Identifiers: ClinVar variation 2358826 (VCV002358826.5), dbSNP rs200384965, ClinGen allele CA10125179.